The following is an entry in ClinVar:

ClinVar aggregate classification (germline): Likely pathogenic (1 of 4 stars; one submission).

Submission:

ARUP Laboratories, Molecular Genetics and Genomics, ARUP Laboratories
Classification: Likely pathogenic. Last evaluated: 2024-10-21. Review status: criteria provided, single submitter. Criteria: ARUP Molecular Germline Variant Investigation Process 2024. Collection method: clinical testing. Allele origin: germline.
Comment: The TTN c.87535_87536del; p.Glu29179AsnfsTer8 variant, to our knowledge, is not reported in the medical literature or gene specific databases. This variant is also absent from the Genome Aggregation Database (v2.1.1), indicating it is not a common polymorphism. This variant causes a frameshift by deleting two nucleotides, so it is predicted to result in a truncated protein or mRNA subject to nonsense-mediated decay. This variant is in an exon that is spliced into 100% of TTN transcripts and encodes a segment of the A-band, which is a region that is enriched for pathogenic truncating variants in individuals with dilated cardiomyopathy (Roberts 2015, Herman 2012). Based on available information, this variant is considered to be likely pathogenic. References: Begay RL et al. Role of Titin Missense Variants in Dilated Cardiomyopathy. J Am Heart Assoc. 2015 Nov 13;4(11). PMID: 26567375. Herman DS et al. Truncations of titin causing dilated cardiomyopathy. N Engl J Med. 2012 Feb 16;366(7):619-28. PMID: 22335739. Linke WA and Hamdani N. Gigantic business: titin properties and function through thick and thin. Circ Res 2014; 114(6): 1052-1068. PMID: 24625729.

NM_001267550.2(TTN):c.87535_87536del (p.Glu29179fs)

Genes: TTN (titin; minus strand), TTN-AS1 (TTN antisense RNA 1; plus strand). Cytogenetic location: 2q31.2.
Variant type: Microsatellite.
Coding change: c.87535_87536del on transcript NM_001267550.2 (MANE Select); coding-DNA positions 87535 to 87536, 2 bases deleted (GA; older notation c.87535_87536delGA).
Protein change: p.Glu29179fs; shifts the reading frame from glutamic acid 29179.
Molecular consequence: frameshift variant.
Genome position (GRCh38, 1-based): chr2:178,557,818-178,557,819, TC deleted on the plus strand (GA on the coding strand, the reverse complement: TTN is on the minus strand); deleting any 2 consecutive bases within chr2:178,557,818-178,557,822 gives the same sequence; the c. name uses the placement nearest the transcript's 3' end. VCF-style (leftmost placement, unchanged base first): chr2-178557817-TTC-T. GRCh37 (hg19) VCF-style: chr2-179422544-TTC-T.
Other names: c.82612_82613del, p.Glu27538fs (NM_001256850.1); c.60340_60341del, p.Glu20114fs (NM_003319.4); c.79831_79832del, p.Glu26611fs (NM_133378.4); c.60715_60716del, p.Glu20239fs (NM_133432.3); c.60916_60917del, p.Glu20306fs (NM_133437.4); short protein forms E20114fs, E20239fs, E20306fs, E26611fs, E27538fs, E29179fs.
Identifiers: ClinVar variation 3766912 (VCV003766912.1).